The following is an entry in ClinVar:

ClinVar aggregate classification (germline): Likely benign. Review status: criteria provided, multiple submitters, no conflicts (2 of 4 stars). 5 submissions from 5 submitters: Likely benign (4). 1 of the submissions does not count toward it. Last evaluated 2024-10-22.

Conditions:
Malignant hyperthermia, susceptibility to, 1 (MHS1). Also called: Malignant hyperthermia suceptibility 1; RYR1-Related Malignant Hyperthermia Susceptibility; Anesthesia related hyperthermia; Malignant hyperpyrexia; Fulminating hyperpyrexia; Pharmacogenic myopathy. Identifiers: Orphanet 423, MedGen C2930980, MONDO:0007783, OMIM 145600.
RYR1-related disorder. Also called: RYR1-related condition; RYR1-related disorders. Identifiers: MedGen CN239331.

Allele frequency attached by ClinVar (database versions not stated): ExAC 0.00001; gnomAD exomes 0.00001; TOPMed 0.00001.
gnomAD v4.1: 15 of 1,613,972 alleles (0.00093%); highest among the groups gnomAD compares: East Asian, 0.0089%; no homozygotes.

Submissions (5):

Labcorp Genetics (formerly Invitae), Labcorp
Classification: Likely benign for RYR1-related disorder. Last evaluated: 2024-10-22. Review status: criteria provided, single submitter. Criteria: Invitae Variant Classification Sherloc (09022015). Collection method: clinical testing. Allele origin: germline.

All of Us Research Program, National Institutes of Health
Classification: Likely benign for Malignant hyperthermia, susceptibility to, 1. Last evaluated: 2024-05-14. Review status: criteria provided, single submitter. Criteria: ACMG Guidelines, 2015. Collection method: clinical testing. Allele origin: germline. Inheritance: Autosomal dominant inheritance. Observed: 1 variant allele, 1 heterozygote.
Comment: This study involves interpretation of variants in research participants for the purpose of population health screening. Participant phenotype was not available at the time of variant classification. Additional details can be found in publication PMID: 35346344, PMCID: PMC8962531

Color Diagnostics, LLC DBA Color Health
Classification: Likely benign for Malignant hyperthermia, susceptibility to, 1. Last evaluated: 2024-04-17. Review status: criteria provided, single submitter. Criteria: ACMG Guidelines, 2015. Collection method: clinical testing. Allele origin: germline.

CeGaT Center for Human Genetics Tuebingen
Classification: Likely benign. Last evaluated: 2019-03-01. Review status: criteria provided, single submitter. Criteria: CeGaT Center For Human Genetics Tuebingen Variant Classification Criteria Version 2. Collection method: clinical testing. Allele origin: germline. Affected: yes. Observed: 1 variant allele.

PreventionGenetics, part of Exact Sciences
Classification: Likely benign for RYR1-related condition. Last evaluated: 2021-09-09. Review status: no assertion criteria provided. Collection method: clinical testing. Allele origin: germline. Not counted in ClinVar's aggregate classification.
Comment: This variant is classified as likely benign based on ACMG/AMP sequence variant interpretation guidelines (Richards et al. 2015 PMID: 25741868, with internal and published modifications).

NM_000540.3(RYR1):c.10023C>T (p.Phe3341=)

Gene: RYR1 (ryanodine receptor 1; plus strand). Cytogenetic location: 19q13.2.
Variant type: single nucleotide variant.
Coding change: c.10023C>T on transcript NM_000540.3 (MANE Select); coding-DNA position 10023, C replaced by T.
Protein change: p.Phe3341=; no amino-acid change (phenylalanine 3341 retained).
Molecular consequence: synonymous variant.
Genome position (GRCh38, 1-based): chr19:38,519,218, C>T. VCF-style: chr19-38519218-C-T. GRCh37 (hg19) VCF-style: chr19-39009858-C-T.
Other names: c.10023C>T, p.Phe3341= (NM_001042723.2); c.10023C>T (NM_000540.2).
Identifiers: ClinVar variation 808561 (VCV000808561.51), dbSNP rs753154402, ClinGen allele CA052195.